The following is an entry in ClinVar:

ClinVar aggregate classification (germline): Uncertain significance. Review status: criteria provided, multiple submitters, no conflicts (2 of 4 stars). 2 submissions from 2 submitters: Uncertain significance (2). Last evaluated 2025-06-09.

Conditions:
Primary ciliary dyskinesia. Also called: Ciliary dyskinesia. Identifiers: Orphanet 244, MedGen C0008780, MONDO:0016575, HP:0012265.
Primary ciliary dyskinesia 3. Identifiers: Orphanet 244, MedGen C1837618, MONDO:0012085, OMIM 608644.

Allele frequency attached by ClinVar (database versions not stated): ExAC 0.00003; gnomAD exomes 0.00003.
gnomAD v4.1: 37 of 1,613,910 alleles (0.0023%); highest among the groups gnomAD compares: East Asian, 0.0089%; no homozygotes.

Submissions (2):

Labcorp Genetics (formerly Invitae), Labcorp
Classification: Uncertain significance for Primary ciliary dyskinesia. Last evaluated: 2025-06-09. Review status: criteria provided, single submitter. Criteria: Invitae Variant Classification Sherloc (09022015). Collection method: clinical testing. Allele origin: germline.
Comment: This sequence change replaces arginine, which is basic and polar, with isoleucine, which is neutral and non-polar, at codon 3743 of the DNAH5 protein (p.Arg3743Ile). This variant is present in population databases (rs774599183, gnomAD 0.03%). This variant has not been reported in the literature in individuals affected with DNAH5-related conditions. ClinVar contains an entry for this variant (Variation ID: 1500146). Invitae Evidence Modeling of protein sequence and biophysical properties (such as structural, functional, and spatial information, amino acid conservation, physicochemical variation, residue mobility, and thermodynamic stability) has been performed for this missense variant. However, the output from this modeling did not meet the statistical confidence thresholds required to predict the impact of this variant on DNAH5 protein function. In summary, the available evidence is currently insufficient to determine the role of this variant in disease. Therefore, it has been classified as a Variant of Uncertain Significance.

Fulgent Genetics
Classification: Uncertain significance for Primary ciliary dyskinesia 3. Last evaluated: 2024-05-03. Review status: criteria provided, single submitter. Criteria: ACMG Guidelines, 2015. Collection method: clinical testing. Allele origin: germline.

NM_001369.3(DNAH5):c.11228G>T (p.Arg3743Ile)

Genes: DNAH5 (dynein axonemal heavy chain 5; minus strand), LOC107457585 (meiotic recombination hotspot J; plus strand). Cytogenetic location: 5p15.2.
Variant type: single nucleotide variant.
Coding change: c.11228G>T on transcript NM_001369.3 (MANE Select); coding-DNA position 11228, G replaced by T.
Protein change: p.Arg3743Ile; replaces arginine 3743 with isoleucine.
Molecular consequence: missense variant.
Genome position (GRCh38, 1-based): chr5:13,737,479, C>A on the plus strand (G>T on the coding strand, the complement: DNAH5 is on the minus strand). VCF-style: chr5-13737479-C-A. GRCh37 (hg19) VCF-style: chr5-13737588-C-A.
Other names: short protein forms R3743I.
Identifiers: ClinVar variation 1500146 (VCV001500146.6), dbSNP rs774599183, ClinGen allele CA3202019.